The following is an entry in ClinVar:

ClinVar aggregate classification (germline): Pathogenic (1 of 4 stars; one submission).

Submission:

Labcorp Genetics (formerly Invitae), Labcorp
Classification: Pathogenic. Last evaluated: 2022-10-30. Review status: criteria provided, single submitter. Criteria: Invitae Variant Classification Sherloc (09022015). Collection method: clinical testing. Allele origin: germline.
Comment: Algorithms developed to predict the effect of sequence changes on RNA splicing suggest that this variant may create or strengthen a splice site. For these reasons, this variant has been classified as Pathogenic. This variant has not been reported in the literature in individuals affected with MAK-related conditions. This variant is not present in population databases (gnomAD no frequency). This sequence change creates a premature translational stop signal (p.Gln229*) in the MAK gene. It is expected to result in an absent or disrupted protein product. Loss-of-function variants in MAK are known to be pathogenic (PMID: 21148103, 21825139, 24938718, 29781741).

Literature cited by the submitters: PubMed 21148103; PubMed 21825139; PubMed 24938718; PubMed 29781741.

NM_001242957.3(MAK):c.685C>T (p.Gln229Ter)

Gene: MAK (male germ cell associated kinase; minus strand). Cytogenetic location: 6p24.2.
Variant type: single nucleotide variant.
Coding change: c.685C>T on transcript NM_001242957.3 (MANE Select); coding-DNA position 685, C replaced by T.
Protein change: p.Gln229Ter; replaces glutamine 229 with a stop codon.
Molecular consequence: nonsense. On other transcripts: non-coding transcript variant (2).
Genome position (GRCh38, 1-based): chr6:10,802,038, G>A on the plus strand (C>T on the coding strand, the complement: MAK is on the minus strand). VCF-style: chr6-10802038-G-A. GRCh37 (hg19) VCF-style: chr6-10802271-G-A.
Other names: c.685C>T, p.Gln229Ter (NM_001242385.2, NM_005906.6); c.583C>T, p.Gln195Ter (NM_001377262.1); short protein forms Q195*, Q229*.
Identifiers: ClinVar variation 2809612 (VCV002809612.3), dbSNP rs2532469053, ClinGen allele CA362720280.